The following is an entry in ClinVar:

ClinVar aggregate classification (germline): Pathogenic (1 of 4 stars; one submission).

Conditions:
Retinoblastoma (RB1). Also called: RETINOBLASTOMA, SOMATIC. Identifiers: Orphanet 790, MedGen C0035335, MeSH D012175, MONDO:0008380, OMIM 180200, HP:0009919. Disease mechanism: loss of function. Inheritance: Both sporadic and heritable forms are tested..

Submission:

Genetic Diagnostic Laboratory, University of Pennsylvania School of Medicine
Classification: Pathogenic for Retinoblastoma. Last evaluated: 2024-05-20. Review status: criteria provided, single submitter. Criteria: ACMG Guidelines, 2015. Collection method: clinical testing. Allele origin: germline. Affected: yes. Observed: 1 variant allele.
Comment: Case and Pedigree Information: BILATERAL CASES:1, UNILATERAL CASES:0, TOTAL CASES:1, PEDIGREES:1. ACMG Codes Applied:PVS1, PM2

NM_000321.3(RB1):c.1741G>T (p.Gly581Ter)

Gene: RB1 (RB transcriptional corepressor 1; plus strand). Cytogenetic location: 13q14.2.
Variant type: single nucleotide variant.
Coding change: c.1741G>T on transcript NM_000321.3 (MANE Select); coding-DNA position 1741, G replaced by T.
Protein change: p.Gly581Ter; replaces glycine 581 with a stop codon.
Molecular consequence: nonsense.
Genome position (GRCh38, 1-based): chr13:48,453,038, G>T. VCF-style: chr13-48453038-G-T. GRCh37 (hg19) VCF-style: chr13-49027174-G-T.
Other names: c.1741G>T, p.Gly581Ter (NM_001407165.1); short protein forms G581*.
Identifiers: ClinVar variation 3237025 (VCV003237025.1), dbSNP rs375645171.